The following is an entry in ClinVar:

ClinVar aggregate classification (germline): Uncertain significance. Review status: criteria provided, multiple submitters, no conflicts (2 of 4 stars). 2 submissions from 2 submitters: Uncertain significance (2). Last evaluated 2025-08-30.

Conditions:
MYH14-related disorder. Also called: MYH14-related condition.
Inborn genetic diseases. Identifiers: MedGen C0950123, MeSH D030342.

gnomAD v4.1: 31 of 1,613,358 alleles (0.0019%); highest among the groups gnomAD compares: African/African-American, 0.0053%; no homozygotes.

Submissions (2):

Ambry Genetics
Classification: Uncertain significance for Inborn genetic diseases. Last evaluated: 2025-08-30. Review status: criteria provided, single submitter. Criteria: Ambry Variant Classification Scheme 2023. Collection method: clinical testing. Allele origin: germline.

PreventionGenetics, part of Exact Sciences
Classification: Uncertain significance for MYH14-related condition. Last evaluated: 2025-04-08. Review status: criteria provided, single submitter. Criteria: ACMG Guidelines, 2015. Collection method: clinical testing. Allele origin: germline.
Comment: The MYH14 c.1339G>A variant is predicted to result in the amino acid substitution p.Ala447Thr. To our knowledge, this variant has not been reported in the literature. This variant is reported in 0.0066% of alleles in individuals of African descent in gnomAD. At this time, the clinical significance of this variant is uncertain due to the absence of conclusive functional and genetic evidence.

NM_001145809.2(MYH14):c.1339G>A (p.Ala447Thr)

Gene: MYH14 (myosin heavy chain 14; plus strand). Cytogenetic location: 19q13.33.
Variant type: single nucleotide variant.
Coding change: c.1339G>A on transcript NM_001145809.2 (MANE Select); coding-DNA position 1339, G replaced by A.
Protein change: p.Ala447Thr; replaces alanine 447 with threonine.
Molecular consequence: missense variant.
Genome position (GRCh38, 1-based): chr19:50,248,996, G>A. VCF-style: chr19-50248996-G-A. GRCh37 (hg19) VCF-style: chr19-50752253-G-A.
Other names: c.1339G>A (NM_001145809.1); c.1339G>A, p.Ala447Thr (NM_001077186.2); c.1315G>A, p.Ala439Thr (NM_024729.4); short protein forms A439T, A447T.
Identifiers: ClinVar variation 4114658 (VCV004114658.2).